The following is an entry in ClinVar:

ClinVar aggregate classification (germline): Conflicting classifications of pathogenicity. Review status: criteria provided, conflicting classifications (1 of 4 stars). 2 submissions from 2 submitters: Uncertain significance (1); Likely benign (1). Last evaluated 2026-01-19.

Allele frequency attached by ClinVar (database versions not stated): gnomAD exomes 0.00002 and 0.00001; gnomAD 0.00021 and 0.00019; ESP Exome Variant Server 0.00008; 1000 Genomes Project 30x 0.00016; ExAC 0.00004; TOPMed 0.00018; 1000 Genomes Project 0.00020.

Submissions (2):

Labcorp Genetics (formerly Invitae), Labcorp
Classification: Likely benign. Last evaluated: 2026-01-19. Review status: criteria provided, single submitter. Criteria: Invitae Variant Classification Sherloc (09022015). Collection method: clinical testing. Allele origin: germline.

Laboratorio de Genetica e Diagnostico Molecular, Hospital Israelita Albert Einstein
Classification: Uncertain significance. Last evaluated: 2020-02-17. Review status: criteria provided, single submitter. Criteria: ACMG Guidelines, 2015. Collection method: clinical testing. Allele origin: germline. Affected: yes.
Comment: ACMG classification criteria: PM2, BP4

NM_022455.5(NSD1):c.6463+8C>A

Gene: NSD1 (nuclear receptor binding SET domain protein 1; plus strand). Cytogenetic location: 5q35.3.
Variant type: single nucleotide variant.
Coding change: c.6463+8C>A on transcript NM_022455.5 (MANE Select); 8 bases into the intron after coding-DNA position 6463, C replaced by A.
Molecular consequence: intron variant.
Genome position (GRCh38, 1-based): chr5:177,292,166, C>A. VCF-style: chr5-177292166-C-A. GRCh37 (hg19) VCF-style: chr5-176719167-C-A.
Other names: c.6463+8C>A (NM_001409301.1, NM_001409302.1, NM_001409303.1); c.6043+8C>A (NM_001409304.1); c.5710+8C>A (NM_001409305.1); c.5701+8C>A (NM_001409306.1, NM_001409307.1); c.5590+8C>A (NM_001409308.1, NM_172349.5, NM_001365684.2); c.5341+8C>A (NM_001409309.1).
Identifiers: ClinVar variation 696444 (VCV000696444.11), dbSNP rs147592452, ClinGen allele CA3577993.